The following is an entry in ClinVar:

NM_133261.3(GIPC3):c.543C>T (p.Pro181=)

Gene: GIPC3 (GIPC PDZ domain containing family member 3; plus strand). Cytogenetic location: 19p13.3.
Variant type: single nucleotide variant.
Coding change: c.543C>T on transcript NM_133261.3 (MANE Select); coding-DNA position 543, C replaced by T.
Protein change: p.Pro181=; no amino-acid change (proline 181 retained).
Molecular consequence: synonymous variant.
Genome position (GRCh38, 1-based): chr19:3,586,945, C>T. VCF-style: chr19-3586945-C-T. GRCh37 (hg19) VCF-style: chr19-3586943-C-T.
Other names: c.543C>T, p.Pro181= (NM_001411144.1).
Identifiers: ClinVar variation 4981308 (VCV004981308.1).

ClinVar aggregate classification (germline): Likely benign (1 of 4 stars; one submission).

Conditions:
GIPC3-related disorder. Also called: GIPC3-related condition.

Submission:

PreventionGenetics, part of Exact Sciences
Classification: Likely benign for GIPC3-related condition. Last evaluated: 2026-06-03. Review status: criteria provided, single submitter. Criteria: ACMG Guidelines, 2015. Collection method: clinical testing. Allele origin: germline.
Comment: This variant is classified as likely benign based on ACMG/AMP sequence variant interpretation guidelines (Richards et al. 2015 PMID: 25741868, with internal and published modifications).